The following is an entry in ClinVar:

ClinVar aggregate classification (germline): Pathogenic/Likely pathogenic. Review status: criteria provided, multiple submitters, no conflicts (2 of 4 stars). 2 submissions from 2 submitters: Pathogenic (1); Likely pathogenic (1). Last evaluated 2025-10-06.

Allele frequency attached by ClinVar (database versions not stated): gnomAD 0.00006; ExAC 0.00008; TOPMed 0.00007.

Submissions (2):

Mayo Clinic Laboratories, Mayo Clinic
Classification: Likely pathogenic. Last evaluated: 2025-10-06. Review status: criteria provided, single submitter. Criteria: ACMG Guidelines, 2015. Collection method: clinical testing. Allele origin: germline. Observed: 2 variant alleles.
Comment: PM2_supporting, PS4, PVS1_moderate

GeneDx
Classification: Pathogenic. Last evaluated: 2024-11-19. Review status: criteria provided, single submitter. Criteria: GeneDx Variant Classification Process June 2021. Collection method: clinical testing. Allele origin: germline. Affected: yes.
Comment: Observed in patients with bleeding, thrombotic, and/or platelet disorders in published literature; however, additional information was not provided (PMID: 37647632, 26540129); Initiation codon variant in a gene for which loss of function is a known mechanism of disease; This variant is associated with the following publications: (PMID: 26540129, 37647632)

Literature cited by the submitters: PubMed 26540129 (cited by Mayo Clinic Laboratories, Mayo Clinic); PubMed 31273093 (cited by Mayo Clinic Laboratories, Mayo Clinic); PubMed 36760778 (cited by Mayo Clinic Laboratories, Mayo Clinic); PubMed 37055848 (cited by Mayo Clinic Laboratories, Mayo Clinic).

NM_019616.4(F7):c.2T>C (p.Met1Thr)

Gene: F7 (coagulation factor VII; plus strand). Cytogenetic location: 13q34.
Variant type: single nucleotide variant.
Coding change: c.2T>C on transcript NM_019616.4 (MANE Select); coding-DNA position 2, T replaced by C.
Protein change: p.Met1Thr; changes the start codon (methionine 1).
Molecular consequence: missense variant, initiator codon variant. On other transcripts: non-coding transcript variant (1).
Genome position (GRCh38, 1-based): chr13:113,105,843, T>C. VCF-style: chr13-113105843-T-C. GRCh37 (hg19) VCF-style: chr13-113760157-T-C.
Other names: p.Met1?; c.2T>C, p.Met1Thr (NM_000131.5, NM_001267554.2); short protein forms M1T.
Identifiers: ClinVar variation 2683243 (VCV002683243.3), dbSNP rs766294997, ClinGen allele CA7059799.